The following is an entry in ClinVar:

NM_001039111.3(TRIM71):c.486C>T (p.Ala162=)

Gene: TRIM71 (tripartite motif containing 71; plus strand). Cytogenetic location: 3p22.3.
Variant type: single nucleotide variant.
Coding change: c.486C>T on transcript NM_001039111.3 (MANE Select); coding-DNA position 486, C replaced by T.
Protein change: p.Ala162=; no amino-acid change (alanine 162 retained).
Molecular consequence: synonymous variant.
Genome position (GRCh38, 1-based): chr3:32,818,566, C>T. VCF-style: chr3-32818566-C-T. GRCh37 (hg19) VCF-style: chr3-32860058-C-T.
Identifiers: ClinVar variation 5039223 (VCV005039223.1).

ClinVar aggregate classification (germline): Likely benign (1 of 4 stars; one submission).

gnomAD v4.1: 64 of 1,268,832 alleles (0.005%); highest among the groups gnomAD compares: African/African-American, 0.069%; no homozygotes.

Submission:

CeGaT Center for Human Genetics Tuebingen
Classification: Likely benign. Last evaluated: 2026-07-01. Review status: criteria provided, single submitter. Criteria: CeGaT Center For Human Genetics Tuebingen Variant Classification Criteria Version 2. Collection method: clinical testing. Allele origin: germline. Affected: yes. Observed: 1 variant allele.
Comment: TRIM71: BP4, BP7